The following is an entry in ClinVar:

ClinVar aggregate classification (germline): Benign/Likely benign. Review status: criteria provided, multiple submitters, no conflicts (2 of 4 stars). 2 submissions from 2 submitters: Benign (1); Likely benign (1). Last evaluated 2026-01-20.

Allele frequency attached by ClinVar (database versions not stated): 1000 Genomes Project 0.00140; 1000 Genomes Project 30x 0.00141; ESP Exome Variant Server 0.00215; ExAC 0.00217; gnomAD 0.00240; gnomAD exomes 0.00283; TOPMed 0.00290.
gnomAD v4.1: 4,461 of 1,612,204 alleles (0.28%); highest among the groups gnomAD compares: Admixed American, 0.58%; 13 homozygotes.

Submissions (2):

Labcorp Genetics (formerly Invitae), Labcorp
Classification: Benign. Last evaluated: 2026-01-20. Review status: criteria provided, single submitter. Criteria: Invitae Variant Classification Sherloc (09022015). Collection method: clinical testing. Allele origin: germline.

CeGaT Center for Human Genetics Tuebingen
Classification: Likely benign. Last evaluated: 2022-07-01. Review status: criteria provided, single submitter. Criteria: CeGaT Center For Human Genetics Tuebingen Variant Classification Criteria Version 2. Collection method: clinical testing. Allele origin: germline. Affected: yes. Observed: 1 variant allele.
Comment: AGAP1: BP4, BP7

NM_001037131.3(AGAP1):c.2262C>T (p.His754=)

Gene: AGAP1 (ArfGAP with GTPase domain, ankyrin repeat and PH domain 1; plus strand). Cytogenetic location: 2q37.2.
Variant type: single nucleotide variant.
Coding change: c.2262C>T on transcript NM_001037131.3 (MANE Select); coding-DNA position 2262, C replaced by T.
Protein change: p.His754=; no amino-acid change (histidine 754 retained).
Molecular consequence: synonymous variant.
Genome position (GRCh38, 1-based): chr2:236,120,339, C>T. VCF-style: chr2-236120339-C-T. GRCh37 (hg19) VCF-style: chr2-237028983-C-T.
Other names: c.2103C>T, p.His701= (NM_014914.5).
Identifiers: ClinVar variation 2046519 (VCV002046519.28), dbSNP rs138222964, ClinGen allele CA2185196.